The following is an entry in ClinVar:

NM_000376.3(VDR):c.53G>A (p.Arg18Gln)

Gene: VDR (vitamin D receptor; minus strand). Cytogenetic location: 12q13.11.
Variant type: single nucleotide variant.
Coding change: c.53G>A on transcript NM_000376.3 (MANE Select); coding-DNA position 53, G replaced by A.
Protein change: p.Arg18Gln; replaces arginine 18 with glutamine.
Molecular consequence: missense variant.
Genome position (GRCh38, 1-based): chr12:47,879,061, C>T on the plus strand (G>A on the coding strand, the complement: VDR is on the minus strand). VCF-style: chr12-47879061-C-T. GRCh37 (hg19) VCF-style: chr12-48272844-C-T.
Other names: c.53G>A, p.Arg18Gln (NM_001017535.2, NM_001364085.2, NM_001374661.1 and 1 more transcripts); c.203G>A, p.Arg68Gln (NM_001017536.2); short protein forms R18Q, R68Q.
Identifiers: ClinVar variation 3032901 (VCV003032901.2), dbSNP rs115085431, ClinGen allele CA6534096.

ClinVar aggregate classification (germline): Uncertain significance (0 of 4 stars; one submission).

Conditions:
VDR-related disorder. Also called: VDR-related condition.

Allele frequency attached by ClinVar (database versions not stated): ExAC 0.00002; 1000 Genomes Project 30x 0.00016; 1000 Genomes Project 0.00020.
gnomAD v4.1: 35 of 1,614,164 alleles (0.0022%); highest among the groups gnomAD compares: Admixed American, 0.012%; no homozygotes.

Submission:

PreventionGenetics, part of Exact Sciences
Classification: Uncertain significance for VDR-related condition. Last evaluated: 2024-01-08. Review status: no assertion criteria provided. Collection method: clinical testing. Allele origin: germline.
Comment: The VDR c.53G>A variant is predicted to result in the amino acid substitution p.Arg18Gln. To our knowledge, this variant has not been reported in the literature. This variant is reported in 0.0080% of alleles in individuals of African descent in gnomAD. At this time, the clinical significance of this variant is uncertain due to the absence of conclusive functional and genetic evidence.